The following is an entry in ClinVar:

ClinVar aggregate classification (germline): Uncertain significance. Review status: criteria provided, single submitter (1 of 4 stars). 2 submissions from 2 submitters: Uncertain significance (1). 1 of the submissions does not count toward it. Last evaluated 2021-12-02.

Conditions:
Neurodegeneration with brain iron accumulation 6 (NBIA6). Also called: COASY protein-associated neurodegeneration. Identifiers: Orphanet 397725, MedGen C4517377, MONDO:0014290, OMIM 615643.
Pontocerebellar hypoplasia, type 12. Identifiers: Orphanet 611256, MedGen C4748873, MONDO:0032643, OMIM 618266.

Allele frequency attached by ClinVar (database versions not stated): gnomAD 0.00002; 1000 Genomes Project 30x 0.00016; 1000 Genomes Project 0.00020.

Submissions (2):

Labcorp Genetics (formerly Invitae), Labcorp
Classification: Uncertain significance for Neurodegeneration with brain iron accumulation 6. Last evaluated: 2021-12-02. Review status: criteria provided, single submitter. Criteria: Invitae Variant Classification Sherloc (09022015). Collection method: clinical testing. Allele origin: germline.
Comment: In summary, the available evidence is currently insufficient to determine the role of this variant in disease. Therefore, it has been classified as a Variant of Uncertain Significance. Algorithms developed to predict the effect of missense changes on protein structure and function are either unavailable or do not agree on the potential impact of this missense change (SIFT: "Deleterious"; PolyPhen-2: "Probably Damaging"; Align-GVGD: "Class C0"). This variant has not been reported in the literature in individuals affected with COASY-related conditions. This variant is present in population databases (rs556712407, gnomAD 0.02%). This sequence change replaces proline, which is neutral and non-polar, with arginine, which is basic and polar, at codon 43 of the COASY protein (p.Pro43Arg).

Molecular Genetics, University Hospital Bordeaux
Classification: Likely pathogenic for Pontocerebellar hypoplasia, type 12. Last evaluated: 2026-07-22. Review status: no assertion criteria provided. Collection method: clinical testing. Allele origin: biparental. Inheritance: Autosomal recessive inheritance. Affected: yes. Observed: 1 variant allele, 1 homozygote. Not counted in ClinVar's aggregate classification.
Comment: The Pro43Arg variant was identified at the homozygous state in two fetuses presenting with severe pontocerebellar hypolasia. This variant is absent at the homozygous state in large population studies. Functional studies performed by our team show an absence of COASY protein expression, on fetal tissues from two fetuses, by western blot analyses. In summary, the Pro43Arg variant meets criteria to be likely pathogenic. PM2_moderate, PM3_moderate, PP3_supporting, PS3_moderate

NM_025233.7(COASY):c.128C>G (p.Pro43Arg)

Gene: COASY (Coenzyme A synthase; plus strand). Cytogenetic location: 17q21.2.
Variant type: single nucleotide variant.
Coding change: c.128C>G on transcript NM_025233.7 (MANE Select); coding-DNA position 128, C replaced by G.
Protein change: p.Pro43Arg; replaces proline 43 with arginine.
Molecular consequence: missense variant.
Genome position (GRCh38, 1-based): chr17:42,562,750, C>G. VCF-style: chr17-42562750-C-G. GRCh37 (hg19) VCF-style: chr17-40714768-C-G.
Other names: c.128C>G, p.Pro43Arg (NM_001042529.3); c.215C>G, p.Pro72Arg (NM_001042532.4); short protein forms P72R, P43R.
Identifiers: ClinVar variation 1420013 (VCV001420013.7), dbSNP rs556712407, ClinGen allele CA8577920.
Genomic context (GRCh38, chr17:42,562,750, plus strand): 5'-CCTCCATCCTGACCTCGGCGGCCCGGCTGGTGAATCACACACTCTATGTTCACCTGCAGC[C>G]GGGCATGAGCCTGGAGGGCCCGGCTCAGCCCCAGTCCAGCCCCGTGCAGGCCACGTTTGA-3'
Protein context (NP_079509.5, residues 33-53): VNHTLYVHLQ[Pro43Arg]GMSLEGPAQP